The following is an entry in ClinVar:

NM_022436.3(ABCG5):c.1289C>T (p.Thr430Ile)

Genes: ABCG5 (ATP binding cassette subfamily G member 5; minus strand), DYNC2LI1 (dynein cytoplasmic 2 light intermediate chain 1; plus strand). Cytogenetic location: 2p21.
Variant type: single nucleotide variant.
Coding change: c.1289C>T on transcript NM_022436.3 (MANE Select); coding-DNA position 1289, C replaced by T.
Protein change: p.Thr430Ile; replaces threonine 430 with isoleucine.
Molecular consequence: missense variant. On other transcripts: intron variant (2).
Genome position (GRCh38, 1-based): chr2:43,823,948, G>A on the plus strand (C>T on the coding strand, the complement: ABCG5 is on the minus strand). VCF-style: chr2-43823948-G-A. GRCh37 (hg19) VCF-style: chr2-44051087-G-A.
Other names: c.*16-3438G>A (NM_001348913.2, NM_001348912.2); short protein forms T430I.
Identifiers: ClinVar variation 1769036 (VCV001769036.3), dbSNP rs2466000025, ClinGen allele CA346664108.
Genomic context (GRCh38, chr2:43,823,948, plus strand): 5'-GCACCTCCAGCACGTGGGCACTTACACAGATTCACAGCGTTCAGCATGCCTGTGTACGGG[G>A]TGGCGCCCACAAACTGGTAAAGGAGACCTACGCGGTCCTGGATAGCACCCTTTAGCACAT-3'
Protein context (NP_071881.1, residues 420-440): VGLLYQFVGA[Thr430Ile]PYTGMLNAVN

ClinVar aggregate classification (germline): Uncertain significance (1 of 4 stars; one submission).

Conditions:
Cardiovascular phenotype. Identifiers: MedGen CN230736.

Submission:

Ambry Genetics
Classification: Uncertain significance for Cardiovascular phenotype. Last evaluated: 2022-04-19. Review status: criteria provided, single submitter. Criteria: Ambry Variant Classification Scheme 2023. Collection method: clinical testing. Allele origin: germline.
Comment: The p.T430I variant (also known as c.1289C>T), located in coding exon 9 of the ABCG5 gene, results from a C to T substitution at nucleotide position 1289. The threonine at codon 430 is replaced by isoleucine, an amino acid with similar properties. This amino acid position is conserved. In addition, this alteration is predicted to be tolerated by in silico analysis. Since supporting evidence is limited at this time, the clinical significance of this alteration remains unclear.